The following is an entry in ClinVar:

NM_001458.5(FLNC):c.1844A>C (p.Lys615Thr)

Gene: FLNC (filamin C; plus strand). Cytogenetic location: 7q32.1.
Variant type: single nucleotide variant.
Coding change: c.1844A>C on transcript NM_001458.5 (MANE Select); coding-DNA position 1844, A replaced by C.
Protein change: p.Lys615Thr; replaces lysine 615 with threonine.
Molecular consequence: missense variant.
Genome position (GRCh38, 1-based): chr7:128,841,200, A>C. VCF-style: chr7-128841200-A-C. GRCh37 (hg19) VCF-style: chr7-128481254-A-C.
Other names: c.1844A>C, p.Lys615Thr (NM_001127487.2); short protein forms K615T.
Identifiers: ClinVar variation 3761509 (VCV003761509.4), dbSNP rs1288537484.

ClinVar aggregate classification (germline): Uncertain significance. Review status: criteria provided, multiple submitters, no conflicts (2 of 4 stars). 3 submissions from 3 submitters: Uncertain significance (3). Last evaluated 2026-09-21.

Conditions:
Cardiovascular phenotype. Identifiers: MedGen CN230736.
Distal myopathy with posterior leg and anterior hand involvement. Also called: WILLIAMS DISTAL MYOPATHY. Identifiers: Orphanet 63273, MedGen C3279722, MONDO:0013550, OMIM 614065.
Myofibrillar myopathy 5. Also called: FILAMINOPATHY, AUTOSOMAL DOMINANT; Filaminopathy (type). Identifiers: Orphanet 171445, MedGen C1836050, MONDO:0012289, OMIM 609524.
Hypertrophic cardiomyopathy 26. Also called: Cardiomyopathy, familial hypertrophic, 26. Identifiers: Orphanet 75249, MedGen C4310749, MONDO:0014883, OMIM 617047.

gnomAD v4.1: 10 of 1,613,936 alleles (0.00062%); highest among the groups gnomAD compares: Non-Finnish European, 0.00085%; no homozygotes.

Submissions (3):

Molecular Diagnostic Laboratory for Inherited Cardiovascular Disease, Montreal Heart Institute
Classification: Uncertain significance for Cardiovascular phenotype. Last evaluated: 2026-09-21. Review status: criteria provided, single submitter. Criteria: ACMG Guidelines, 2015. Collection method: clinical testing. Allele origin: germline. Affected: yes.
Comment: PM2, PP3

Ambry Genetics
Classification: Uncertain significance for Cardiovascular phenotype. Last evaluated: 2025-06-17. Review status: criteria provided, single submitter. Criteria: Ambry Variant Classification Scheme 2023. Collection method: clinical testing. Allele origin: germline.
Comment: The p.K615T variant (also known as c.1844A>C), located in coding exon 12 of the FLNC gene, results from an A to C substitution at nucleotide position 1844. The lysine at codon 615 is replaced by threonine, an amino acid with similar properties. This amino acid position is conserved. In addition, this alteration is predicted to be deleterious by in silico analysis. Based on the available evidence, the clinical significance of this variant remains unclear.

Labcorp Genetics (formerly Invitae), Labcorp
Classification: Uncertain significance for Distal myopathy with posterior leg and anterior hand involvement; Myofibrillar myopathy 5; Hypertrophic cardiomyopathy 26. Last evaluated: 2024-02-17. Review status: criteria provided, single submitter. Criteria: Invitae Variant Classification Sherloc (09022015). Collection method: clinical testing. Allele origin: germline.
Comment: This sequence change replaces lysine, which is basic and polar, with threonine, which is neutral and polar, at codon 615 of the FLNC protein (p.Lys615Thr). This variant is present in population databases (no rsID available, gnomAD 0.007%). This variant has not been reported in the literature in individuals affected with FLNC-related conditions. Advanced modeling of protein sequence and biophysical properties (such as structural, functional, and spatial information, amino acid conservation, physicochemical variation, residue mobility, and thermodynamic stability) has been performed at Invitae for this missense variant, however the output from this modeling did not meet the statistical confidence thresholds required to predict the impact of this variant on FLNC protein function. In summary, the available evidence is currently insufficient to determine the role of this variant in disease. Therefore, it has been classified as a Variant of Uncertain Significance.